The following is an entry in ClinVar:

ClinVar aggregate classification (germline): Likely benign. Review status: criteria provided, multiple submitters, no conflicts (2 of 4 stars). 6 submissions from 6 submitters: Likely benign (5). 1 of the submissions does not count toward it. Last evaluated 2026-09-01.

Conditions:
HRAS-related disorder. Also called: HRAS-related condition.
Cardiovascular phenotype. Identifiers: MedGen CN230736.
Costello syndrome (CSTLO). Also called: HRAS-Related Costello Syndrome; FCS SYNDROME; FACIOCUTANEOSKELETAL SYNDROME. Identifiers: Orphanet 3071, MedGen C0587248, MONDO:0009026, OMIM 218040.

Allele frequency attached by ClinVar (database versions not stated): ESP Exome Variant Server 0.00008; gnomAD exomes 0.00003; ExAC 0.00004.
gnomAD v4.1: 28 of 1,613,328 alleles (0.0017%); highest among the groups gnomAD compares: Non-Finnish European, 0.0022%; no homozygotes.

Submissions (6):

CeGaT Center for Human Genetics Tuebingen
Classification: Likely benign. Last evaluated: 2026-09-01. Review status: criteria provided, single submitter. Criteria: CeGaT Center For Human Genetics Tuebingen Variant Classification Criteria Version 2. Collection method: clinical testing. Allele origin: germline. Affected: yes. Observed: 2 variant alleles.
Comment: HRAS: BP4, BP7

Labcorp Genetics (formerly Invitae), Labcorp
Classification: Likely benign for Costello syndrome. Last evaluated: 2025-10-02. Review status: criteria provided, single submitter. Criteria: Invitae Variant Classification Sherloc (09022015). Collection method: clinical testing. Allele origin: germline.

Ambry Genetics
Classification: Likely benign for Cardiovascular phenotype. Last evaluated: 2022-10-14. Review status: criteria provided, single submitter. Criteria: Ambry Variant Classification Scheme 2023. Collection method: clinical testing. Allele origin: germline.

Blueprint Genetics
Classification: Likely benign. Last evaluated: 2021-06-25. Review status: criteria provided, single submitter. Criteria: ACMG Guidelines, 2015. Collection method: clinical testing. Allele origin: germline.

Laboratory for Molecular Medicine, Mass General Brigham Personalized Medicine
Classification: Likely benign. Last evaluated: 2011-10-14. Review status: criteria provided, single submitter. Criteria: LMM Criteria. Collection method: clinical testing. Allele origin: germline. Observed: 1 variant allele.
Comment: His94His in exon 3 of HRAS: This variant is not expected to have clinical signif icance because it does not alter an amino acid residue and is not located near a splice junction.

PreventionGenetics, part of Exact Sciences
Classification: Likely benign for HRAS-related condition. Last evaluated: 2022-03-20. Review status: no assertion criteria provided. Collection method: clinical testing. Allele origin: germline. Not counted in ClinVar's aggregate classification.
Comment: This variant is classified as likely benign based on ACMG/AMP sequence variant interpretation guidelines (Richards et al. 2015 PMID: 25741868, with internal and published modifications).

NM_005343.4(HRAS):c.282C>T (p.His94=)

Genes: HRAS (HRas proto-oncogene, GTPase; minus strand), LRRC56 (leucine rich repeat containing 56; plus strand). Cytogenetic location: 11p15.5.
Variant type: single nucleotide variant.
Coding change: c.282C>T on transcript NM_005343.4 (MANE Select); coding-DNA position 282, C replaced by T.
Protein change: p.His94=; no amino-acid change (histidine 94 retained).
Molecular consequence: synonymous variant. On other transcripts: 5 prime UTR variant (1).
Genome position (GRCh38, 1-based): chr11:533,774, G>A on the plus strand (C>T on the coding strand, the complement: HRAS is on the minus strand). VCF-style: chr11-533774-G-A. GRCh37 (hg19) VCF-style: chr11-533774-G-A.
Other names: c.282C>T, p.His94= (NM_001130442.3, NM_176795.5); c.-38C>T (NM_001318054.2); c.282C>T (NM_005343.3).
Identifiers: ClinVar variation 45299 (VCV000045299.33), dbSNP rs375893752, ClinGen allele CA135974.
Genomic context (GRCh38, chr11:533,774, plus strand): 5'-CCTGGCCCCACCTGTGCGGCGTGGGCTCCCGGGCCAGCCTCACGGGGTTCACCTGTACTG[G>A]TGGATGTCCTCAAAAGACTTGGTGTTGTTGATGGCAAACACACACAGGAAGCCCTCCCCG-3'
Protein context (NP_005334.1, residues 84-104): INNTKSFEDI[His94=]QYREQIKRVK